The following is an entry in ClinVar:

NM_007294.4(BRCA1):c.3772G>C (p.Glu1258Gln)

Genes: BRCA1 (BRCA1 DNA repair associated; minus strand), LOC126862571 (BRD4-independent group 4 enhancer GRCh37_chr17:41243136-41244335; plus strand). Cytogenetic location: 17q21.31.
Variant type: single nucleotide variant.
Coding change: c.3772G>C on transcript NM_007294.4 (MANE Select); coding-DNA position 3772, G replaced by C.
Protein change: p.Glu1258Gln; replaces glutamic acid 1258 with glutamine.
Molecular consequence: missense variant. On other transcripts: intron variant (135).
Genome position (GRCh38, 1-based): chr17:43,091,759, C>G on the plus strand (G>C on the coding strand, the complement: BRCA1 is on the minus strand). VCF-style: chr17-43091759-C-G. GRCh37 (hg19) VCF-style: chr17-41243776-C-G.
Other names: c.3631G>C, p.Glu1211Gln (NM_001407697.1, NM_001407698.1, NM_001407724.1 and 29 more transcripts); c.3772G>C, p.Glu1258Gln (NM_007300.4, NM_001407684.1, NM_001407854.1 and 30 more transcripts); c.647-727G>C (NM_001408458.1, NM_001408469.1, NM_001408453.1 and 11 more transcripts); c.284-727G>C (NM_001408512.1); c.407-727G>C (NM_001408510.1); c.644-727G>C (NM_001408470.1, NM_001408464.1, NM_001408468.1 and 3 more transcripts); c.785-727G>C (NM_001408397.1, NM_001408401.1, NM_001408396.1 and 13 more transcripts); c.665-727G>C (NM_001408436.1, NM_001408444.1, NM_001408438.1 and 12 more transcripts); and 41 more; short protein forms E1090Q, E1170Q, E1190Q, E1191Q, E1217Q, E1255Q, E390Q, E1131Q.
Identifiers: ClinVar variation 5033176 (VCV005033176.1).

ClinVar aggregate classification (germline): Uncertain significance (1 of 4 stars; one submission).

Conditions:
Hereditary cancer-predisposing syndrome. Also called: Neoplastic Syndromes, Hereditary; Tumor predisposition; Hereditary neoplastic syndrome; Hereditary Cancer Syndrome. Identifiers: Orphanet 140162, MedGen C0027672, MeSH D009386, MONDO:0015356.

Submission:

Ambry Genetics
Classification: Uncertain significance for Hereditary cancer-predisposing syndrome. Last evaluated: 2026-07-07. Review status: criteria provided, single submitter. Criteria: Ambry Variant Classification Scheme 2023. Collection method: clinical testing. Allele origin: germline.
Comment: The p.E1258Q variant (also known as c.3772G>C), located in coding exon 9 of the BRCA1 gene, results from a G to C substitution at nucleotide position 3772. The glutamic acid at codon 1258 is replaced by glutamine, an amino acid with highly similar properties. This amino acid position is not well conserved in available vertebrate species. In addition, the in silico prediction for this alteration is inconclusive. Based on the available evidence, the clinical significance of this variant remains unclear.